The following is an entry in ClinVar:

ClinVar aggregate classification (germline): Likely pathogenic (1 of 4 stars; one submission).

Conditions:
Primary ciliary dyskinesia. Also called: Ciliary dyskinesia. Identifiers: Orphanet 244, MedGen C0008780, MONDO:0016575, HP:0012265.

Submission:

Labcorp Genetics (formerly Invitae), Labcorp
Classification: Likely pathogenic for Primary ciliary dyskinesia. Last evaluated: 2024-01-04. Review status: criteria provided, single submitter. Criteria: Invitae Variant Classification Sherloc (09022015). Collection method: clinical testing. Allele origin: germline.
Comment: This sequence change affects a donor splice site in intron 15 of the DNAH11 gene. It is expected to disrupt RNA splicing. Variants that disrupt the donor or acceptor splice site typically lead to a loss of protein function (PMID: 16199547), and loss-of-function variants in DNAH11 are known to be pathogenic (PMID: 18022865, 20513915, 22184204). This variant is not present in population databases (gnomAD no frequency). This variant has not been reported in the literature in individuals affected with DNAH11-related conditions. Algorithms developed to predict the effect of sequence changes on RNA splicing suggest that this variant may disrupt the consensus splice site. In summary, the currently available evidence indicates that the variant is pathogenic, but additional data are needed to prove that conclusively. Therefore, this variant has been classified as Likely Pathogenic.

Literature cited by the submitters: PubMed 16199547; PubMed 18022865; PubMed 20513915; PubMed 22184204.

NM_001277115.2(DNAH11):c.3000+1G>T

Genes: DNAH11 (dynein axonemal heavy chain 11; plus strand), LOC126859961 (BRD4-independent group 4 enhancer GRCh37_chr7:21639662-21640861; plus strand). Cytogenetic location: 7p15.3.
Variant type: single nucleotide variant.
Coding change: c.3000+1G>T on transcript NM_001277115.2 (MANE Select); the canonical splice donor site of the intron after coding-DNA position 3000, G replaced by T.
Molecular consequence: splice donor variant.
Genome position (GRCh38, 1-based): chr7:21,600,120, G>T. VCF-style: chr7-21600120-G-T. GRCh37 (hg19) VCF-style: chr7-21639738-G-T.
Identifiers: ClinVar variation 2751200 (VCV002751200.3), dbSNP rs986470719, ClinGen allele CA155087243.